The following is an entry in ClinVar:

NM_004273.5(CHST3):c.328G>A (p.Ala110Thr)

Gene: CHST3 (carbohydrate sulfotransferase 3; plus strand). Cytogenetic location: 10q22.1.
Variant type: single nucleotide variant.
Coding change: c.328G>A on transcript NM_004273.5 (MANE Select); coding-DNA position 328, G replaced by A.
Protein change: p.Ala110Thr; replaces alanine 110 with threonine.
Molecular consequence: missense variant.
Genome position (GRCh38, 1-based): chr10:72,007,359, G>A. VCF-style: chr10-72007359-G-A. GRCh37 (hg19) VCF-style: chr10-73767117-G-A.
Other names: short protein forms A110T.
Identifiers: ClinVar variation 1939972 (VCV001939972.2), dbSNP rs1163022228, ClinGen allele CA377143381.
Genomic context (GRCh38, chr10:72,007,359, plus strand): 5'-CTTCAGAGCCGTCTCCGCAACCTCAGCTTGCAGCTGGGCGTGGAGCCAGCCATGGAGGCC[G>A]CAGGGGAGGAAGAGGAAGAGCAGAGAAAGGAGGAGGAGCCGCCCAGACCGGCCGTGGCGG-3'
Protein context (NP_004264.2, residues 100-120): QLGVEPAMEA[Ala110Thr]GEEEEEQRKE

ClinVar aggregate classification (germline): Uncertain significance (1 of 4 stars; one submission).

Conditions:
Spondyloepiphyseal dysplasia with congenital joint dislocations (SEDCJD). Also called: Chondrodysplasia with Congenital Joint Dislocations, CHST3-Related. Identifiers: Orphanet 263463, MedGen C1837657, MONDO:0007738, OMIM 143095.

Allele frequency attached by ClinVar (database versions not stated): gnomAD 0.00001; TOPMed 0.00001.
gnomAD v4.1: 30 of 1,606,462 alleles (0.0019%); highest among the groups gnomAD compares: Non-Finnish European, 0.0024%; no homozygotes.

Submission:

Labcorp Genetics (formerly Invitae), Labcorp
Classification: Uncertain significance for Spondyloepiphyseal dysplasia with congenital joint dislocations. Last evaluated: 2022-07-03. Review status: criteria provided, single submitter. Criteria: Invitae Variant Classification Sherloc (09022015). Collection method: clinical testing. Allele origin: germline.
Comment: This sequence change replaces alanine, which is neutral and non-polar, with threonine, which is neutral and polar, at codon 110 of the CHST3 protein (p.Ala110Thr). The frequency data for this variant in the population databases is considered unreliable, as metrics indicate poor data quality at this position in the gnomAD database. This variant has not been reported in the literature in individuals affected with CHST3-related conditions. Algorithms developed to predict the effect of missense changes on protein structure and function (SIFT, PolyPhen-2, Align-GVGD) all suggest that this variant is likely to be tolerated. In summary, the available evidence is currently insufficient to determine the role of this variant in disease. Therefore, it has been classified as a Variant of Uncertain Significance.